The following is an entry in ClinVar:

ClinVar aggregate classification (germline): Uncertain significance (1 of 4 stars; one submission).

gnomAD v4.1: 1 of 1,614,044 alleles (0.000062%); highest among the groups gnomAD compares: Non-Finnish European, 0.000085%; no homozygotes.

Submission:

Labcorp Genetics (formerly Invitae), Labcorp
Classification: Uncertain significance. Last evaluated: 2025-10-08. Review status: criteria provided, single submitter. Criteria: Invitae Variant Classification Sherloc (09022015). Collection method: clinical testing. Allele origin: germline.
Comment: This sequence change replaces proline, which is neutral and non-polar, with arginine, which is basic and polar, at codon 349 of the UBR1 protein (p.Pro349Arg). This variant is not present in population databases (gnomAD no frequency). This variant has not been reported in the literature in individuals affected with UBR1-related conditions. Invitae Evidence Modeling of protein sequence and biophysical properties (such as structural, functional, and spatial information, amino acid conservation, physicochemical variation, residue mobility, and thermodynamic stability) indicates that this missense variant is expected to disrupt UBR1 protein function with a positive predictive value of 80%. In summary, the available evidence is currently insufficient to determine the role of this variant in disease. Therefore, it has been classified as a Variant of Uncertain Significance.

NM_174916.3(UBR1):c.1046C>G (p.Pro349Arg)

Gene: UBR1 (ubiquitin protein ligase E3 component n-recognin 1; minus strand). Cytogenetic location: 15q15.2.
Variant type: single nucleotide variant.
Coding change: c.1046C>G on transcript NM_174916.3 (MANE Select); coding-DNA position 1046, C replaced by G.
Protein change: p.Pro349Arg; replaces proline 349 with arginine.
Molecular consequence: missense variant.
Genome position (GRCh38, 1-based): chr15:43,059,132, G>C on the plus strand (C>G on the coding strand, the complement: UBR1 is on the minus strand). VCF-style: chr15-43059132-G-C. GRCh37 (hg19) VCF-style: chr15-43351330-G-C.
Other names: short protein forms P349R.
Identifiers: ClinVar variation 4778323 (VCV004778323.1).